The following is an entry in ClinVar:

ClinVar aggregate classification (germline): Uncertain significance (1 of 4 stars; one submission).

Conditions:
Cardiovascular phenotype. Identifiers: MedGen CN230736.

Submission:

Ambry Genetics
Classification: Uncertain significance for Cardiovascular phenotype. Last evaluated: 2026-02-15. Review status: criteria provided, single submitter. Criteria: Ambry Variant Classification Scheme 2023. Collection method: clinical testing. Allele origin: germline.
Comment: The p.W394G variant (also known as c.1180T>G), located in coding exon 10 of the VCL gene, results from a T to G substitution at nucleotide position 1180. The tryptophan at codon 394 is replaced by glycine, an amino acid with highly dissimilar properties. This amino acid position is conserved. In addition, this alteration is predicted to be deleterious by in silico analysis. Based on the available evidence, the clinical significance of this variant remains unclear.

NM_014000.3(VCL):c.1180T>G (p.Trp394Gly)

Gene: VCL (vinculin; plus strand). Cytogenetic location: 10q22.2.
Variant type: single nucleotide variant.
Coding change: c.1180T>G on transcript NM_014000.3 (MANE Select); coding-DNA position 1180, T replaced by G.
Protein change: p.Trp394Gly; replaces tryptophan 394 with glycine.
Molecular consequence: missense variant.
Genome position (GRCh38, 1-based): chr10:74,090,026, T>G. VCF-style: chr10-74090026-T-G. GRCh37 (hg19) VCF-style: chr10-75849784-T-G.
Other names: c.1180T>G, p.Trp394Gly (NM_003373.4); short protein forms W394G.
Identifiers: ClinVar variation 4824342 (VCV004824342.1).